The following is an entry in ClinVar:

ClinVar aggregate classification (germline): Uncertain significance (1 of 4 stars; one submission).

Submission:

GeneDx
Classification: Uncertain significance. Last evaluated: 2025-05-10. Review status: criteria provided, single submitter. Criteria: GeneDx Variant Classification Process June 2021. Collection method: clinical testing. Allele origin: germline. Affected: yes.
Comment: Not observed at significant frequency in large population cohorts (gnomAD); In silico analysis supports that this missense variant has a deleterious effect on protein structure/function; Has not been previously published as pathogenic or benign to our knowledge

NM_023110.3(FGFR1):c.1626G>T (p.Lys542Asn)

Gene: FGFR1 (fibroblast growth factor receptor 1; minus strand). Cytogenetic location: 8p11.23.
Variant type: single nucleotide variant.
Coding change: c.1626G>T on transcript NM_023110.3 (MANE Select); coding-DNA position 1626, G replaced by T.
Protein change: p.Lys542Asn; replaces lysine 542 with asparagine.
Molecular consequence: missense variant.
Genome position (GRCh38, 1-based): chr8:38,417,343, C>A on the plus strand (G>T on the coding strand, the complement: FGFR1 is on the minus strand). VCF-style: chr8-38417343-C-A. GRCh37 (hg19) VCF-style: chr8-38274861-C-A.
Other names: c.1620G>T, p.Lys540Asn (NM_001174063.2, NM_001174065.2, NM_001354367.2 and 1 more transcripts); c.1596G>T, p.Lys532Asn (NM_001174064.2); c.1359G>T, p.Lys453Asn (NM_001174066.2, NM_023105.3); c.1719G>T, p.Lys573Asn (NM_001174067.2); c.1347G>T, p.Lys449Asn (NM_001354368.2); c.1614G>T, p.Lys538Asn (NM_001354369.2, NM_001410922.1); c.1353G>T, p.Lys451Asn (NM_001354370.2, NM_023106.3); short protein forms K449N, K451N, K453N, K532N, K538N, K540N, K542N, K573N.
Identifiers: ClinVar variation 4529784 (VCV004529784.1).
Genomic context (GRCh38, chr8:38,417,343, plus strand): 5'-AAGCCAGTCTGGCCGGCACCCACCATCCTGCGTGCAGGCCCCCAGCAGGTTGATGATATT[C>A]TTATGCTTCCCGATCATCTTCATCATCTCCATTTCTGAGATCAGGTCTGACAAGTCTTTC-3'
Protein context (NP_075598.2, residues 532-552): MEMMKMIGKH[Lys542Asn]NIINLLGACT